The following is an entry in ClinVar:

NM_198253.3(TERT):c.761G>A (p.Gly254Glu)

Gene: TERT (telomerase reverse transcriptase; minus strand). Cytogenetic location: 5p15.33.
Variant type: single nucleotide variant.
Coding change: c.761G>A on transcript NM_198253.3 (MANE Select); coding-DNA position 761, G replaced by A.
Protein change: p.Gly254Glu; replaces glycine 254 with glutamic acid.
Molecular consequence: missense variant. On other transcripts: non-coding transcript variant (2).
Genome position (GRCh38, 1-based): chr5:1,294,125, C>T on the plus strand (G>A on the coding strand, the complement: TERT is on the minus strand). VCF-style: chr5-1294125-C-T. GRCh37 (hg19) VCF-style: chr5-1294240-C-T.
Other names: c.761G>A, p.Gly254Glu (NM_001193376.3, NM_003219.1); short protein forms G254E.
Identifiers: ClinVar variation 2064688 (VCV002064688.1), dbSNP rs1364961973, ClinGen allele CA359056876.
Genomic context (GRCh38, chr5:1,294,125, plus strand): 5'-GACACCACACAGAAACCACGGTCACTCGGTCCACGCGTCCTGCCCGGGTGGGCCCAGGAC[C>T]CCTGCCCAACGGGCGTCCGCTCCGGCTCAGGGGCAGCGCCACGCCTGGGCCTCTTGGGCA-3'
Protein context (NP_937983.2, residues 244-264): PEPERTPVGQ[Gly254Glu]SWAHPGRTRG

ClinVar aggregate classification (germline): Uncertain significance (1 of 4 stars; one submission).

Conditions:
Dyskeratosis congenita, autosomal dominant 2. Identifiers: MedGen C3151443, MONDO:0013521, OMIM 613989.
Idiopathic Pulmonary Fibrosis. Also called: Idiopathic fibrosing alveolitis, chronic form; idiopathic fibrosing alveolitis. Identifiers: Orphanet 2032, MedGen C1800706, MeSH D054990, MONDO:0800504.

Allele frequency attached by ClinVar (database versions not stated): gnomAD exomes below 0.00001.
gnomAD v4.1: 2 of 1,583,568 alleles (0.00013%); highest among the groups gnomAD compares: East Asian, 0.0023%; no homozygotes.

Submission:

Labcorp Genetics (formerly Invitae), Labcorp
Classification: Uncertain significance for Dyskeratosis congenita, autosomal dominant 2; Idiopathic Pulmonary Fibrosis. Last evaluated: 2022-06-28. Review status: criteria provided, single submitter. Criteria: Invitae Variant Classification Sherloc (09022015). Collection method: clinical testing. Allele origin: germline.
Comment: This sequence change replaces glycine, which is neutral and non-polar, with glutamic acid, which is acidic and polar, at codon 254 of the TERT protein (p.Gly254Glu). This variant is not present in population databases (gnomAD no frequency). This variant has not been reported in the literature in individuals affected with TERT-related conditions. Advanced modeling of protein sequence and biophysical properties (such as structural, functional, and spatial information, amino acid conservation, physicochemical variation, residue mobility, and thermodynamic stability) performed at Invitae indicates that this missense variant is not expected to disrupt TERT protein function. In summary, the available evidence is currently insufficient to determine the role of this variant in disease. Therefore, it has been classified as a Variant of Uncertain Significance.